The following is an entry in ClinVar:

ClinVar aggregate classification (germline): Uncertain significance. Review status: criteria provided, multiple submitters, no conflicts (2 of 4 stars). 6 submissions from 6 submitters: Uncertain significance (6). Last evaluated 2025-01-09.

Conditions:
Inborn genetic diseases. Identifiers: MedGen C0950123, MeSH D030342.
Neuronal ceroid lipofuscinosis. Also called: Neuronal Ceroid Lipofuscinoses. Identifiers: Orphanet 216, Orphanet 79263, MedGen C0027877, MONDO:0016295. Disease mechanism: loss of function.
Neuronal ceroid lipofuscinosis 3 (CLN3). Identifiers: Orphanet 228346, MedGen C0751383, MONDO:0008767, OMIM 204200.

Submissions (6):

Ambry Genetics
Classification: Uncertain significance for Inborn genetic diseases. Last evaluated: 2025-01-09. Review status: criteria provided, single submitter. Criteria: Ambry Variant Classification Scheme 2023. Collection method: clinical testing. Allele origin: germline.
Comment: The c.734_736delCAG (p.A245del) alteration is located in exon 10 (coding exon 9) of the CLN3 gene. This alteration consists of an in-frame deletion of 3 nucleotides between nucleotide positions c.734 and c.736, resulting in the deletion of 1 residue. Based on insufficient or conflicting evidence, the clinical significance of this alteration remains unclear.

Blueprint Genetics
Classification: Uncertain significance. Last evaluated: 2024-11-05. Review status: criteria provided, single submitter. Criteria: ACMG Guidelines, 2015. Collection method: clinical testing. Allele origin: germline.

Labcorp Genetics (formerly Invitae), Labcorp
Classification: Uncertain significance for Neuronal ceroid lipofuscinosis. Last evaluated: 2022-09-01. Review status: criteria provided, single submitter. Criteria: Invitae Variant Classification Sherloc (09022015). Collection method: clinical testing. Allele origin: germline.
Comment: This variant, c.734_736del, results in the deletion of 1 amino acid(s) of the CLN3 protein (p.Ala245del), but otherwise preserves the integrity of the reading frame. This variant is present in population databases (rs776966610, gnomAD 0.01%). This variant has been observed in individual(s) with clinical features of CLN3-related conditions (Invitae). In at least one individual the data is consistent with being in trans (on the opposite chromosome) from a pathogenic variant. ClinVar contains an entry for this variant (Variation ID: 205115). Experimental studies and prediction algorithms are not available or were not evaluated, and the functional significance of this variant is currently unknown. In summary, the available evidence is currently insufficient to determine the role of this variant in disease. Therefore, it has been classified as a Variant of Uncertain Significance.

Genome-Nilou Lab
Classification: Uncertain significance for Neuronal ceroid lipofuscinosis 3. Last evaluated: 2021-09-05. Review status: criteria provided, single submitter. Criteria: ACMG Guidelines, 2015. Collection method: clinical testing. Allele origin: germline. Affected: no.

GeneDx
Classification: Uncertain significance. Last evaluated: 2018-03-12. Review status: criteria provided, single submitter. Criteria: GeneDx Variant Classification (06012015). Collection method: clinical testing. Allele origin: germline. Affected: yes.
Comment: A variant of uncertain significance has been identified in the CLN3 gene. The c.734_736delCAG variant has not been published as a pathogenic variant, nor has it been reported as a benign variant to our knowledge. The c.734_736delCAG variant was not observed with any significant frequency in approximately 6,500 individuals of European and African American ancestry in the NHLBI Exome Sequencing Project. The c.734_736delCAG variant results in an in-frame deletion of a single Alanine residue, denoted p.Ala245del. However, this deletion occurs at a position that is not conserved. To our knowledge, in-frame deletions have not been reported in the CLN3 gene in association with juvenile neuronal ceroid lipofuscinosis (Stenson et al., 2014). Therefore, based on the currently available information, it is unclear whether this variant is a pathogenic variant or a rare benign variant.

Breakthrough Genomics
Classification: Uncertain significance. Review status: criteria provided, single submitter. Criteria: ACMG Guidelines, 2015. Collection method: not provided. Allele origin: germline. Inheritance: Autosomal recessive inheritance. Affected: yes.

NM_001042432.2(CLN3):c.734_736del (p.Ala245del)

Gene: CLN3 (CLN3 lysosomal/endosomal transmembrane protein, battenin; minus strand). Cytogenetic location: 16p12.1.
Variant type: Deletion.
Coding change: c.734_736del on transcript NM_001042432.2 (MANE Select); coding-DNA positions 734 to 736, 3 bases deleted (CAG; older notation c.734_736delCAG).
Protein change: p.Ala245del; deletes alanine 245.
Molecular consequence: inframe deletion.
Genome position (GRCh38, 1-based): chr16:28,484,060-28,484,062, CTG deleted on the plus strand (CAG on the coding strand, the reverse complement: CLN3 is on the minus strand); deleting any 3 consecutive bases within chr16:28,484,060-28,484,064 gives the same sequence; the c. name uses the placement nearest the transcript's 3' end. VCF-style (leftmost placement, unchanged base first): chr16-28484059-TCTG-T. GRCh37 (hg19) VCF-style: chr16-28495380-TCTG-T.
Other names: c.734_736delCAG (NM_001042432.1); c.734_736del, p.Ala245del (NM_000086.2); c.662_664del, p.Ala221del (NM_001286104.2); c.434_436del, p.Ala145del (NM_001286105.2); c.500_502del, p.Ala167del (NM_001286109.2); c.572_574del, p.Ala191del (NM_001286110.2); short protein forms A245del, A167del, A145del, A221del, A191del.
Identifiers: ClinVar variation 205115 (VCV000205115.12), dbSNP rs776966610, ClinGen allele CA313823.